The following is an entry in ClinVar:

NM_001365088.1(SLC12A6):c.2316G>A (p.Lys772=)

Gene: SLC12A6 (solute carrier family 12 member 6; minus strand). Cytogenetic location: 15q14.
Variant type: single nucleotide variant.
Coding change: c.2316G>A on transcript NM_001365088.1 (MANE Select); coding-DNA position 2316, G replaced by A.
Protein change: p.Lys772=; no amino-acid change (lysine 772 retained).
Molecular consequence: synonymous variant.
Genome position (GRCh38, 1-based): chr15:34,240,781, C>T on the plus strand (G>A on the coding strand, the complement: SLC12A6 is on the minus strand). VCF-style: chr15-34240781-C-T. GRCh37 (hg19) VCF-style: chr15-34532982-C-T.
Other names: c.2139G>A, p.Lys713= (NM_001042494.2, NM_001042495.2); c.2289G>A, p.Lys763= (NM_001042496.2); c.2271G>A, p.Lys757= (NM_001042497.2); c.2163G>A, p.Lys721= (NM_005135.2); c.2316G>A, p.Lys772= (NM_133647.2).
Identifiers: ClinVar variation 669308 (VCV000669308.10), dbSNP rs145060136, ClinGen allele CA7464100.

ClinVar aggregate classification (germline): Conflicting classifications of pathogenicity. Review status: criteria provided, conflicting classifications (1 of 4 stars). 3 submissions from 3 submitters: Uncertain significance (1); Likely benign (2). Last evaluated 2026-06-03.

Conditions:
SLC12A6-related disorder. Also called: SLC12A6-related condition.

Allele frequency attached by ClinVar (database versions not stated): gnomAD exomes below 0.00001 and 0.00001; gnomAD 0.00001; TOPMed 0.00001; ExAC 0.00002; ESP Exome Variant Server 0.00015.
gnomAD v4.1: 8 of 1,613,898 alleles (0.0005%); highest among the groups gnomAD compares: Non-Finnish European, 0.00068%; no homozygotes.

Submissions (3):

PreventionGenetics, part of Exact Sciences
Classification: Uncertain significance for SLC12A6-related condition. Last evaluated: 2026-06-03. Review status: criteria provided, single submitter. Criteria: ACMG Guidelines, 2015. Collection method: clinical testing. Allele origin: germline.
Comment: The SLC12A6 c.2316G>A variant is not predicted to result in an amino acid change (p.=). This variant is predicted to possibly alter splicing based on available splicing prediction programs (SpliceAI, Jaganathan et al. 2019. PubMed ID: 30661751). However, the use of computer prediction programs is not equivalent to functional evidence. To our knowledge, this variant has not been reported in the literature. This variant is reported in 0.0023% of alleles in individuals of European (non-Finnish) descent in gnomAD. Although we suspect that this variant may be benign, at this time, the clinical significance of this variant is uncertain due to the absence of conclusive functional and genetic evidence.

Labcorp Genetics (formerly Invitae), Labcorp
Classification: Likely benign. Last evaluated: 2024-09-30. Review status: criteria provided, single submitter. Criteria: Invitae Variant Classification Sherloc (09022015). Collection method: clinical testing. Allele origin: germline.

GeneDx
Classification: Likely benign. Last evaluated: 2018-06-07. Review status: criteria provided, single submitter. Criteria: GeneDx Variant Classification (06012015). Collection method: clinical testing. Allele origin: germline. Affected: yes.
Comment: This variant is considered likely benign or benign based on one or more of the following criteria: it is a conservative change, it occurs at a poorly conserved position in the protein, it is predicted to be benign by multiple in silico algorithms, and/or has population frequency not consistent with disease.